The following is an entry in ClinVar:

ClinVar aggregate classification (germline): Uncertain significance (1 of 4 stars; one submission).

gnomAD v4.1: 1 of 1,518,954 alleles (0.000066%); highest among the groups gnomAD compares: Non-Finnish European, 0.000091%; no homozygotes.

Submission:

Women's Health and Genetics/Laboratory Corporation of America, LabCorp
Classification: Uncertain significance. Last evaluated: 2025-11-11. Review status: criteria provided, single submitter. Criteria: LabCorp Variant Classification Summary - May 2015. Collection method: clinical testing. Allele origin: germline.
Comment: Variant summary: GTF2E2 c.759+2T>C is located in a canonical splice-site and is predicted to affect mRNA splicing resulting in a significantly altered protein due to either exon skipping, shortening, or inclusion of intronic material. Variants that disrupt the consensus splice site are a relatively common cause of aberrant splicing, however current evidence is not sufficient to establish loss of function as a mechanism for disease. Several computational tools predict a significant impact on normal splicing: Four predict the variant abolishes the canonical 5' splicing donor site. However, these predictions have yet to be confirmed by functional studies. No LP/P variants at this donor splice-site have been reported. The variant was absent in 251142 control chromosomes. The available data on variant occurrences in the general population are insufficient to allow any conclusion about variant significance. To our knowledge, no occurrence of c.759+2T>C in individuals affected with GTF2E2-related conditions and no experimental evidence demonstrating its impact on protein function have been reported. No submitters have cited clinical-significance assessments for this variant to ClinVar. Based on the evidence outlined above, the variant was classified as uncertain significance.

NM_002095.6(GTF2E2):c.759+2T>C

Gene: GTF2E2 (general transcription factor IIE subunit 2; minus strand). Cytogenetic location: 8p12.
Variant type: single nucleotide variant.
Coding change: c.759+2T>C on transcript NM_002095.6 (MANE Select); the canonical splice donor site of the intron after coding-DNA position 759, T replaced by C.
Molecular consequence: splice donor variant.
Genome position (GRCh38, 1-based): chr8:30,580,279, A>G on the plus strand (T>C on the coding strand, the complement: GTF2E2 is on the minus strand). VCF-style: chr8-30580279-A-G. GRCh37 (hg19) VCF-style: chr8-30437796-A-G.
Identifiers: ClinVar variation 4536857 (VCV004536857.1).